The following is an entry in ClinVar:

ClinVar aggregate classification (germline): Uncertain significance (1 of 4 stars; one submission).

Conditions:
Severe combined immunodeficiency due to DNA-PKcs deficiency. Also called: Immunodeficiency 26 with or without neurologic abnormalities; IMMUNODEFICIENCY 26 WITH NEUROLOGIC ABNORMALITIES. Identifiers: Orphanet 317425, MedGen C4014833, MONDO:0014423, OMIM 615966.

Submission:

Labcorp Genetics (formerly Invitae), Labcorp
Classification: Uncertain significance for Severe combined immunodeficiency due to DNA-PKcs deficiency. Last evaluated: 2018-11-24. Review status: criteria provided, single submitter. Criteria: Invitae Variant Classification Sherloc (09022015). Collection method: clinical testing. Allele origin: germline.
Comment: This sequence change replaces tryptophan with arginine at codon 2923 of the PRKDC protein (p.Trp2923Arg). The tryptophan residue is highly conserved and there is a moderate physicochemical difference between tryptophan and arginine. This variant is not present in population databases (ExAC no frequency). In summary, the available evidence is currently insufficient to determine the role of this variant in disease. Therefore, it has been classified as a Variant of Uncertain Significance. Algorithms developed to predict the effect of missense changes on protein structure and function are either unavailable or do not agree on the potential impact of this missense change (SIFT: "Deleterious"; PolyPhen-2: "Possibly Damaging"; Align-GVGD: "Class C0"). This variant has not been reported in the literature in individuals with PRKDC-related conditions.

NM_006904.7(PRKDC):c.8767T>C (p.Trp2923Arg)

Genes: PRKDC (protein kinase, DNA-activated, catalytic subunit; minus strand), LOC121740717 (Sharpr-MPRA regulatory region 7649; plus strand). Cytogenetic location: 8q11.21.
Variant type: single nucleotide variant.
Coding change: c.8767T>C on transcript NM_006904.7 (MANE Select); coding-DNA position 8767, T replaced by C.
Protein change: p.Trp2923Arg; replaces tryptophan 2923 with arginine.
Molecular consequence: missense variant.
Genome position (GRCh38, 1-based): chr8:47,826,672, A>G on the plus strand (T>C on the coding strand, the complement: PRKDC is on the minus strand). VCF-style: chr8-47826672-A-G. GRCh37 (hg19) VCF-style: chr8-48739233-A-G.
Other names: c.8767T>C, p.Trp2923Arg (NM_001081640.2); short protein forms W2923R.
Identifiers: ClinVar variation 654809 (VCV000654809.4), dbSNP rs1589724169, ClinGen allele CA371143484.